The following is an entry in ClinVar:

ClinVar aggregate classification (germline): Benign (1 of 4 stars; one submission).

Conditions:
Dent disease type 1 (DENT1). Also called: NEPHROLITHIASIS 2; NEPHROLITHIASIS, HYPERCALCIURIC, X-LINKED. Identifiers: Orphanet 1652, Orphanet 93622, MedGen C1848336, MONDO:0010225, OMIM 300009.

Allele frequency attached by ClinVar (database versions not stated): gnomAD 0.00002 and 0.00038; TOPMed 0.00008; 1000 Genomes Project 0.00318; 1000 Genomes Project 30x 0.00354.

Submission:

Illumina Laboratory Services, Illumina
Classification: Benign for Dent disease type 1. Last evaluated: 2018-01-12. Review status: criteria provided, single submitter. Criteria: ICSL Variant Classification Criteria 13 December 2019. Collection method: clinical testing. Allele origin: germline.
Comment: This variant was observed in the ICSL laboratory as part of a predisposition screen in an ostensibly healthy population. It had not been previously curated by ICSL or reported in the Human Gene Mutation Database (HGMD: prior to June 1st, 2018), and was therefore a candidate for classification through an automated scoring system. Utilizing variant allele frequency, disease prevalence and penetrance estimates, and inheritance mode, an automated score was calculated to assess if this variant is too frequent to cause the disease. Based on the score and internal cut-off values, a variant classified as benign is not then subjected to further curation. The score for this variant resulted in a classification of benign for this disease.

NM_001127898.4(CLCN5):c.*1447T>G

Gene: CLCN5 (Cl-/H+ antiporter 5; plus strand). Cytogenetic location: Xp11.23.
Variant type: single nucleotide variant.
Coding change: c.*1447T>G on transcript NM_001127898.4 (MANE Select); 1447 bases downstream of the stop codon, T replaced by G.
Molecular consequence: 3 prime UTR variant.
Genome position (GRCh38, 1-based): chrX:50,093,666, T>G. VCF-style: chrX-50093666-T-G. GRCh37 (hg19) VCF-style: chrX-49858323-T-G.
Other names: c.*1447T>G (NM_000084.5, NM_001127899.4, NM_001282163.2).
Identifiers: ClinVar variation 368497 (VCV000368497.5), dbSNP rs543285083, ClinGen allele CA10653959.